The following is an entry in ClinVar:

ClinVar aggregate classification (germline): Conflicting classifications of pathogenicity. Review status: criteria provided, conflicting classifications (1 of 4 stars). 4 submissions from 4 submitters: Uncertain significance (1); Likely benign (2). 1 of the submissions does not count toward it. Last evaluated 2026-01-17.

Conditions:
PCDH15-related disorder. Also called: PCDH15-related disorders; PCDH15-related condition.
Usher syndrome type 1F (USH1F). Also called: USHER SYNDROME, TYPE IF. Identifiers: Orphanet 231169, Orphanet 886, MedGen C1865885, MONDO:0011186, OMIM 602083.

Allele frequency attached by ClinVar (database versions not stated): gnomAD exomes 0.00001 and 0.00006; TOPMed 0.00004; ExAC 0.00007.
gnomAD v4.1: 15 of 1,609,614 alleles (0.00093%); highest among the groups gnomAD compares: Admixed American, 0.022%; no homozygotes.

Submissions (4):

Labcorp Genetics (formerly Invitae), Labcorp
Classification: Likely benign. Last evaluated: 2026-01-17. Review status: criteria provided, single submitter. Criteria: Invitae Variant Classification Sherloc (09022015). Collection method: clinical testing. Allele origin: germline.

PreventionGenetics, part of Exact Sciences
Classification: Likely benign for PCDH15-related condition. Last evaluated: 2025-09-17. Review status: criteria provided, single submitter. Criteria: ACMG Guidelines, 2015. Collection method: clinical testing. Allele origin: germline.
Comment: This variant is classified as likely benign based on ACMG/AMP sequence variant interpretation guidelines (Richards et al. 2015 PMID: 25741868, with internal and published modifications).

GeneDx
Classification: Uncertain significance. Last evaluated: 2024-06-17. Review status: criteria provided, single submitter. Criteria: GeneDx Variant Classification Process June 2021. Collection method: clinical testing. Allele origin: germline. Affected: yes.
Comment: Has not been previously published as pathogenic or benign to our knowledge; In silico analysis indicates that this variant does not alter splicing

Natera, Inc.
Classification: Uncertain significance for Usher syndrome type 1F. Last evaluated: 2020-04-17. Review status: no assertion criteria provided. Collection method: clinical testing. Allele origin: germline. Not counted in ClinVar's aggregate classification.

NM_001384140.1(PCDH15):c.3225T>C (p.Asn1075=)

Gene: PCDH15 (protocadherin related 15; minus strand). Cytogenetic location: 10q21.1.
Variant type: single nucleotide variant.
Coding change: c.3225T>C on transcript NM_001384140.1 (MANE Select); coding-DNA position 3225, T replaced by C.
Protein change: p.Asn1075=; no amino-acid change (asparagine 1075 retained).
Molecular consequence: synonymous variant.
Genome position (GRCh38, 1-based): chr10:53,940,873, A>G on the plus strand (T>C on the coding strand, the complement: PCDH15 is on the minus strand). VCF-style: chr10-53940873-A-G. GRCh37 (hg19) VCF-style: chr10-55700633-A-G.
Other names: c.3225T>C (NM_033056.3); c.3240T>C, p.Asn1080= (NM_001142763.2, NM_001142771.2); c.3225T>C, p.Asn1075= (NM_001142764.2, NM_001142766.2, NM_001142770.3 and 4 more transcripts); c.3012T>C, p.Asn1004= (NM_001142765.2); c.3114T>C, p.Asn1038= (NM_001142767.2); c.3159T>C, p.Asn1053= (NM_001142768.2, NM_001142773.2, NM_001354404.2); c.3261T>C, p.Asn1087= (NM_001142769.4); c.3246T>C, p.Asn1082= (NM_001354411.2).
Identifiers: ClinVar variation 990229 (VCV000990229.14), dbSNP rs746404657, ClinGen allele CA5505773.
Genomic context (GRCh38, chr10:53,940,873, plus strand): 5'-CAAATCTAAGTTTACTGGTTGATGGTGAGAACACAAACTAAAAGTCTACTCACCTTCTTC[A>G]TTTCCTGAAACAATGGAGTACACAATACTTTGATTAATGGCAGCAGCAGAAATTACACCA-3'
Protein context (NP_001371069.1, residues 1065-1085): QSIVYSIVSG[Asn1075=]EEDTFGINNI